The following is an entry in ClinVar:

NM_016628.5(WAC):c.337C>T (p.His113Tyr)

Gene: WAC (WW domain containing adaptor with coiled-coil; plus strand). Cytogenetic location: 10p12.1.
Variant type: single nucleotide variant.
Coding change: c.337C>T on transcript NM_016628.5 (MANE Select); coding-DNA position 337, C replaced by T.
Protein change: p.His113Tyr; replaces histidine 113 with tyrosine.
Molecular consequence: missense variant.
Genome position (GRCh38, 1-based): chr10:28,583,461, C>T. VCF-style: chr10-28583461-C-T. GRCh37 (hg19) VCF-style: chr10-28872390-C-T.
Other names: c.337C>T (NM_016628.4); c.202C>T, p.His68Tyr (NM_100264.3); c.337C>T, p.His113Tyr (NM_100486.4); short protein forms H113Y, H68Y.
Identifiers: ClinVar variation 2640384 (VCV002640384.25), dbSNP rs200481578, ClinGen allele CA5454754.
Genomic context (GRCh38, chr10:28,583,461, plus strand): 5'-ACCAGTTACTCTCCACAAGAAAATTCACACAACCACAGTGCTCTTCATAGTTCAAATTCA[C>T]ATTCTTCTAATCCAAGCAATAACCCAAGCAAAACTTCAGATGCAGTAAGTATTATAAACA-3'
Protein context (NP_057712.2, residues 103-123): NHSALHSSNS[His113Tyr]SSNPSNNPSK

ClinVar aggregate classification (germline): Likely benign. Review status: criteria provided, multiple submitters, no conflicts (2 of 4 stars). 2 submissions from 2 submitters: Likely benign (2). Last evaluated 2025-08-14.

Conditions:
Inborn genetic diseases. Identifiers: MedGen C0950123, MeSH D030342.

Allele frequency attached by ClinVar (database versions not stated): gnomAD 0.00005; ExAC 0.00006; gnomAD exomes 0.00010; ESP Exome Variant Server 0.00023.

Submissions (2):

Ambry Genetics
Classification: Likely benign for Inborn genetic diseases. Last evaluated: 2025-08-14. Review status: criteria provided, single submitter. Criteria: Ambry Variant Classification Scheme 2023. Collection method: clinical testing. Allele origin: germline.

CeGaT Center for Human Genetics Tuebingen
Classification: Likely benign. Last evaluated: 2023-03-01. Review status: criteria provided, single submitter. Criteria: CeGaT Center For Human Genetics Tuebingen Variant Classification Criteria Version 2. Collection method: clinical testing. Allele origin: germline. Affected: yes. Observed: 1 variant allele.
Comment: WAC: BS2